The following is an entry in ClinVar:

NM_007078.3(LDB3):c.1071T>A (p.Pro357=)

Gene: LDB3 (LIM domain binding 3; plus strand). Cytogenetic location: 10q23.2.
Variant type: single nucleotide variant.
Coding change: c.1071T>A on transcript NM_007078.3 (MANE Select); coding-DNA position 1071, T replaced by A.
Protein change: p.Pro357=; no amino-acid change (proline 357 retained).
Molecular consequence: synonymous variant. On other transcripts: intron variant (4).
Genome position (GRCh38, 1-based): chr10:86,706,705, T>A. VCF-style: chr10-86706705-T-A. GRCh37 (hg19) VCF-style: chr10-88466462-T-A.
Other names: c.930T>A, p.Pro310= (NM_001368066.1); c.897-3200T>A (NM_001368064.1, NM_001368065.1); c.1101-3200T>A (NM_001171610.2); c.756-3200T>A (NM_001080114.2).
Identifiers: ClinVar variation 178060 (VCV000178060.21), dbSNP rs143823978, ClinGen allele CA181300.

ClinVar aggregate classification (germline): Conflicting classifications of pathogenicity. Review status: criteria provided, conflicting classifications (1 of 4 stars). 7 submissions from 7 submitters: Uncertain significance (1); Likely benign (6). Last evaluated 2025-11-27.

Conditions:
Cardiovascular phenotype. Identifiers: MedGen CN230736.
Cardiomyopathy (CMYO). Also called: Cardiomyopathies. Identifiers: Orphanet 167848, MedGen C0878544, MONDO:0004994, HP:0001638. Inheritance: Various modes of inheritance.
Myofibrillar myopathy 4. Also called: Zaspopathy (type). Identifiers: Orphanet 98912, MedGen C4721886, MONDO:0012277, OMIM 609452.

Allele frequency attached by ClinVar (database versions not stated): ExAC 0.00006; gnomAD exomes 0.00007 and 0.00015; gnomAD 0.00008 and 0.00009; TOPMed 0.00009; ESP Exome Variant Server 0.00023.
gnomAD v4.1: 224 of 1,612,118 alleles (0.014%); highest among the groups gnomAD compares: Non-Finnish European, 0.018%; no homozygotes.

Submissions (7):

Labcorp Genetics (formerly Invitae), Labcorp
Classification: Uncertain significance for Myofibrillar myopathy 4. Last evaluated: 2025-11-27. Review status: criteria provided, single submitter. Criteria: Invitae Variant Classification Sherloc (09022015). Collection method: clinical testing. Allele origin: germline.
Comment: The LDB3 gene has multiple clinically relevant transcripts. This variant occurs in alternate transcript NM_007078.3, and corresponds to NM_001080116.1:c.*7331T>A in the primary transcript. This sequence change affects codon 357 of the LDB3 mRNA. It is a 'silent' change, meaning that it does not change the encoded amino acid sequence of the LDB3 protein. This variant is present in population databases (rs143823978, gnomAD 0.01%). This variant has not been reported in the literature in individuals affected with LDB3-related conditions. ClinVar contains an entry for this variant (Variation ID: 178060). Experimental studies and prediction algorithms are not available or were not evaluated, and the effect of this variant on mRNA splicing is currently unknown. In summary, the available evidence is currently insufficient to determine the role of this variant in disease. Therefore, it has been classified as a Variant of Uncertain Significance.

Women's Health and Genetics/Laboratory Corporation of America, LabCorp
Classification: Likely benign. Last evaluated: 2025-03-28. Review status: criteria provided, single submitter. Criteria: LabCorp Variant Classification Summary - May 2015. Collection method: clinical testing. Allele origin: germline.

Blueprint Genetics
Classification: Likely benign. Last evaluated: 2023-09-09. Review status: criteria provided, single submitter. Criteria: ACMG Guidelines, 2015. Collection method: clinical testing. Allele origin: germline.

CHEO Genetics Diagnostic Laboratory, Children's Hospital of Eastern Ontario
Classification: Likely benign for Cardiomyopathy. Last evaluated: 2021-04-21. Review status: criteria provided, single submitter. Criteria: ACMG Guidelines, 2015. Collection method: clinical testing. Allele origin: germline. Study: Canadian Open Genetics Repository.

GeneDx
Classification: Likely benign. Last evaluated: 2020-11-18. Review status: criteria provided, single submitter. Criteria: GeneDx Variant Classification Process June 2021. Collection method: clinical testing. Allele origin: germline. Affected: yes.

Ambry Genetics
Classification: Likely benign for Cardiovascular phenotype. Last evaluated: 2019-09-19. Review status: criteria provided, single submitter. Criteria: Ambry Variant Classification Scheme 2023. Collection method: clinical testing. Allele origin: germline.

Laboratory for Molecular Medicine, Mass General Brigham Personalized Medicine
Classification: Likely benign. Last evaluated: 2015-09-10. Review status: criteria provided, single submitter. Criteria: LMM Criteria. Collection method: clinical testing. Allele origin: germline. Observed: 2 variant alleles.
Comment: p.Pro357Pro in exon 10 of LDB3: This variant is not expected to have clinical si gnificance because it does not alter an amino acid residue and is not located wi thin the splice consensus sequence. It has been identified in 6/57332 European c hromosomes by the Exome Aggregation Consortium (ExAC .org; dbSNP rs143823978).